The following is an entry in ClinVar:

ClinVar aggregate classification (germline): Uncertain significance (1 of 4 stars; one submission).

Conditions:
Hereditary cancer-predisposing syndrome. Also called: Neoplastic Syndromes, Hereditary; Hereditary Cancer Syndrome; Tumor predisposition; Hereditary neoplastic syndrome. Identifiers: Orphanet 140162, MedGen C0027672, MeSH D009386, MONDO:0015356.

gnomAD v4.1: 10 of 1,614,132 alleles (0.00062%); highest among the groups gnomAD compares: Non-Finnish European, 0.00085%; no homozygotes.

Submission:

Ambry Genetics
Classification: Uncertain significance for Hereditary cancer-predisposing syndrome. Last evaluated: 2024-12-19. Review status: criteria provided, single submitter. Criteria: Ambry Variant Classification Scheme 2023. Collection method: clinical testing. Allele origin: germline.
Comment: The p.N120K variant (also known as c.360C>A), located in coding exon 3 of the EPCAM gene, results from a C to A substitution at nucleotide position 360. The asparagine at codon 120 is replaced by lysine, an amino acid with similar properties. This amino acid position is conserved. In addition, the in silico prediction for this alteration is inconclusive. Since supporting evidence is limited at this time, the clinical significance of this alteration remains unclear.

NM_002354.3(EPCAM):c.360C>A (p.Asn120Lys)

Gene: EPCAM (epithelial cell adhesion molecule; plus strand). Cytogenetic location: 2p21.
Variant type: single nucleotide variant.
Coding change: c.360C>A on transcript NM_002354.3 (MANE Select); coding-DNA position 360, C replaced by A.
Protein change: p.Asn120Lys; replaces asparagine 120 with lysine.
Molecular consequence: missense variant.
Genome position (GRCh38, 1-based): chr2:47,373,983, C>A. VCF-style: chr2-47373983-C-A. GRCh37 (hg19) VCF-style: chr2-47601122-C-A.
Other names: short protein forms N120K.
Identifiers: ClinVar variation 2447105 (VCV002447105.3), dbSNP rs371217745, ClinGen allele CA346723340.
Genomic context (GRCh38, chr2:47,373,983, plus strand): 5'-TGAGAGCGGGCTCTTTAAGGCCAAGCAGTGCAACGGCACCTCCATGTGCTGGTGTGTGAA[C>A]ACTGCTGGGGTCAGAAGAACAGACAAGGACACTGAAATAACCTGCTCTGAGCGAGTGAGA-3'
Protein context (NP_002345.2, residues 110-130): CNGTSMCWCV[Asn120Lys]TAGVRRTDKD